The following is an entry in ClinVar:

NM_130468.4(CHST14):c.850C>T (p.His284Tyr)

Gene: CHST14 (carbohydrate sulfotransferase 14; plus strand). Cytogenetic location: 15q15.1.
Variant type: single nucleotide variant.
Coding change: c.850C>T on transcript NM_130468.4 (MANE Select); coding-DNA position 850, C replaced by T.
Protein change: p.His284Tyr; replaces histidine 284 with tyrosine.
Molecular consequence: missense variant.
Genome position (GRCh38, 1-based): chr15:40,472,063, C>T. VCF-style: chr15-40472063-C-T. GRCh37 (hg19) VCF-style: chr15-40764262-C-T.
Other names: short protein forms H284Y.
Identifiers: ClinVar variation 4002734 (VCV004002734.1).
Genomic context (GRCh38, chr15:40,472,063, plus strand): 5'-CTGAGATACCTGGTGGATGAGGACCCTGAGCGCATGAATGAGCATTGGATGCCCGTGTAC[C>T]ACCTGTGCCAGCCTTGTGCCGTGCACTATGACTTTGTGGGCTCCTATGAGAGGCTGGAGG-3'
Protein context (NP_569735.1, residues 274-294): RMNEHWMPVY[His284Tyr]LCQPCAVHYD

ClinVar aggregate classification (germline): Uncertain significance (1 of 4 stars; one submission).

Conditions:
Cardiovascular phenotype. Identifiers: MedGen CN230736.

Submission:

Ambry Genetics
Classification: Uncertain significance for Cardiovascular phenotype. Last evaluated: 2025-05-18. Review status: criteria provided, single submitter. Criteria: Ambry Variant Classification Scheme 2023. Collection method: clinical testing. Allele origin: germline.
Comment: The p.H284Y variant (also known as c.850C>T), located in coding exon 1 of the CHST14 gene, results from a C to T substitution at nucleotide position 850. The histidine at codon 284 is replaced by tyrosine, an amino acid with similar properties. This amino acid position is conserved. In addition, this alteration is predicted to be tolerated by in silico analysis. Based on the available evidence, the clinical significance of this variant remains unclear.